The following is an entry in ClinVar:

ClinVar aggregate classification (germline): Likely benign (1 of 4 stars; one submission).

gnomAD v4.1: 14 of 1,614,184 alleles (0.00087%); highest among the groups gnomAD compares: South Asian, 0.0099%; no homozygotes.

Submission:

CeGaT Center for Human Genetics Tuebingen
Classification: Likely benign. Last evaluated: 2025-04-01. Review status: criteria provided, single submitter. Criteria: CeGaT Center For Human Genetics Tuebingen Variant Classification Criteria Version 2. Collection method: clinical testing. Allele origin: germline. Affected: yes. Observed: 1 variant allele.
Comment: UBE3B: BP4, BP7

NM_130466.4(UBE3B):c.2472C>T (p.Ser824=)

Gene: UBE3B (ubiquitin protein ligase E3B; plus strand). Cytogenetic location: 12q24.11.
Variant type: single nucleotide variant.
Coding change: c.2472C>T on transcript NM_130466.4 (MANE Select); coding-DNA position 2472, C replaced by T.
Protein change: p.Ser824=; no amino-acid change (serine 824 retained).
Molecular consequence: synonymous variant.
Genome position (GRCh38, 1-based): chr12:109,524,085, C>T. VCF-style: chr12-109524085-C-T. GRCh37 (hg19) VCF-style: chr12-109961890-C-T.
Other names: c.2472C>T, p.Ser824= (NM_183415.3).
Identifiers: ClinVar variation 3898444 (VCV003898444.7).